The following is an entry in ClinVar:

NM_014675.5(CROCC):c.4986G>A (p.Glu1662=)

Gene: CROCC (ciliary rootlet coiled-coil, rootletin; plus strand). Cytogenetic location: 1p36.13.
Variant type: single nucleotide variant.
Coding change: c.4986G>A on transcript NM_014675.5 (MANE Select); coding-DNA position 4986, G replaced by A.
Protein change: p.Glu1662=; no amino-acid change (glutamic acid 1662 retained).
Molecular consequence: synonymous variant.
Genome position (GRCh38, 1-based): chr1:16,968,328, G>A. VCF-style: chr1-16968328-G-A. GRCh37 (hg19) VCF-style: chr1-17294823-G-A.
Identifiers: ClinVar variation 2638381 (VCV002638381.24), dbSNP rs778009448, ClinGen allele CA416090919.
Genomic context (GRCh38, chr1:16,968,328, plus strand): 5'-GGTTCTGGACGCCTCCGAGAGCCGCACTGTCAAGCTGGAGCTGCAGCGGCGCTCGCTTGA[G>A]GGGGAGCTGCAGCGCAGCCGCCTGGGCCTCAGTGACCGCGAGGCCCAAGCCCAGGCCCTC-3'
Protein context (NP_055490.4, residues 1652-1672): VKLELQRRSL[Glu1662=]GELQRSRLGL

ClinVar aggregate classification (germline): Likely benign (1 of 4 stars; one submission).

gnomAD v4.1: 4 of 1,548,564 alleles (0.00026%); highest among the groups gnomAD compares: Admixed American, 0.002%; no homozygotes.

Submission:

CeGaT Center for Human Genetics Tuebingen
Classification: Likely benign. Last evaluated: 2022-12-01. Review status: criteria provided, single submitter. Criteria: CeGaT Center For Human Genetics Tuebingen Variant Classification Criteria Version 2. Collection method: clinical testing. Allele origin: germline. Affected: yes. Observed: 1 variant allele.
Comment: CROCC: BP4, BP7